The following is an entry in ClinVar:

NM_001040142.2(SCN2A):c.477-3C>G

Gene: SCN2A (sodium voltage-gated channel alpha subunit 2; plus strand). Cytogenetic location: 2q24.3.
Variant type: single nucleotide variant.
Coding change: c.477-3C>G on transcript NM_001040142.2 (MANE Select); 3 bases into the intron before coding-DNA position 477, C replaced by G.
Molecular consequence: intron variant.
Genome position (GRCh38, 1-based): chr2:165,308,663, C>G. VCF-style: chr2-165308663-C-G. GRCh37 (hg19) VCF-style: chr2-166165173-C-G.
Other names: c.477-3C>G (NM_001040143.2, NM_001371246.1, NM_001371247.1 and 1 more transcripts).
Identifiers: ClinVar variation 5006111 (VCV005006111.2).
Genomic context (GRCh38, chr2:165,308,663, plus strand): 5'-TAAGATATGTACTTGTAAATTAACCACTAGATTTTTAATGTGAGCTTGGCTATTTTCTCT[C>G]AGGTATACCTTTACAGGAATTTATACTTTTGAATCACTTATTAAAATACTTGCAAGGGGC-3'

ClinVar aggregate classification (germline): Uncertain significance (1 of 4 stars; one submission).

Conditions:
Episodic ataxia, type 9. Identifiers: MedGen C5394520, MONDO:0030064, OMIM 618924.
Seizures, benign familial infantile, 3 (BFIS3). Also called: CONVULSIONS, BENIGN FAMILIAL INFANTILE, 3; Familial neonatal seizures. Identifiers: Orphanet 140927, Orphanet 306, MedGen C1843140, MONDO:0011904, OMIM 607745.
Developmental and epileptic encephalopathy, 11 (DEE11). Also called: Early infantile epileptic encephalopathy 11. Identifiers: Orphanet 1934, MedGen C3150987, MONDO:0013388, OMIM 613721.

Submission:

Juno Genomics, Hangzhou Juno Genomics, Inc
Classification: Uncertain significance for Developmental and epileptic encephalopathy, 11; Episodic ataxia, type 9; Seizures, benign familial infantile, 3. Review status: criteria provided, single submitter. Criteria: ACMG Guidelines, 2015. Collection method: clinical testing. Allele origin: germline.
Comment: Absent from controls (or at extremely low frequency if recessive) in Genome Aggregation Database.;De novo (both maternity and paternity confirmed) in a patient with the disease and no family history.;Multiple lines of computational evidence support a deleterious effect on the gene or gene product.